The following is an entry in ClinVar:

NM_000551.4(VHL):c.121G>A (p.Glu41Lys)

Gene: VHL (von Hippel-Lindau tumor suppressor; plus strand). Cytogenetic location: 3p25.3.
Variant type: single nucleotide variant.
Coding change: c.121G>A on transcript NM_000551.4 (MANE Select); coding-DNA position 121, G replaced by A.
Protein change: p.Glu41Lys; replaces glutamic acid 41 with lysine.
Molecular consequence: missense variant.
Genome position (GRCh38, 1-based): chr3:10,141,968, G>A. VCF-style: chr3-10141968-G-A. GRCh37 (hg19) VCF-style: chr3-10183652-G-A.
Other names: c.121G>A, p.Glu41Lys (NM_001354723.2, NM_198156.3); short protein forms E41K.
Identifiers: ClinVar variation 818632 (VCV000818632.9), dbSNP rs1475252559, ClinGen allele CA351747902.

ClinVar aggregate classification (germline): Uncertain significance. Review status: criteria provided, multiple submitters, no conflicts (2 of 4 stars). 3 submissions from 3 submitters: Uncertain significance (3). Last evaluated 2025-08-17.

Conditions:
Von Hippel-Lindau syndrome (VHLS). Also called: VHL syndrome; Von Hippel-Lindau; von Hippel–Lindau syndrome. Identifiers: Orphanet 892, MedGen C0019562, MONDO:0008667, OMIM 193300. Disease mechanism: loss of function.
Chuvash polycythemia. Also called: POLYCYTHEMIA, VHL-DEPENDENT. Identifiers: Orphanet 238557, MedGen C1837915, MONDO:0009892, OMIM 263400.
Hereditary cancer-predisposing syndrome. Also called: Hereditary Cancer Syndrome; Neoplastic Syndromes, Hereditary; Hereditary neoplastic syndrome; Tumor predisposition. Identifiers: Orphanet 140162, MedGen C0027672, MeSH D009386, MONDO:0015356.

Allele frequency attached by ClinVar (database versions not stated): TOPMed 0.00001.

Submissions (3):

Color Diagnostics, LLC DBA Color Health
Classification: Uncertain significance for Von Hippel-Lindau syndrome. Last evaluated: 2025-08-17. Review status: criteria provided, single submitter. Criteria: ACMG Guidelines, 2015. Collection method: clinical testing. Allele origin: germline.
Comment: This missense variant replaces glutamic acid with lysine at codon 41 of the VHL protein. Computational prediction suggests that this variant may not impact protein structure and function. To our knowledge, functional studies have not been reported for this variant. This variant has not been reported in individuals affected with VHL-related disorders in the literature. This variant has not been identified in the general population by the Genome Aggregation Database (gnomAD). The available evidence is insufficient to determine the role of this variant in disease conclusively. Therefore, this variant is classified as a Variant of Uncertain Significance.

Ambry Genetics
Classification: Uncertain significance for Hereditary cancer-predisposing syndrome. Last evaluated: 2025-05-15. Review status: criteria provided, single submitter. Criteria: Ambry Variant Classification Scheme 2023. Collection method: clinical testing. Allele origin: germline.
Comment: The p.E41K variant (also known as c.121G>A), located in coding exon 1 of the VHL gene, results from a G to A substitution at nucleotide position 121. The glutamic acid at codon 41 is replaced by lysine, an amino acid with similar properties. This amino acid position is not well conserved in available vertebrate species. In addition, the in silico prediction for this alteration is inconclusive. Since supporting evidence is limited at this time, the clinical significance of this alteration remains unclear.

Labcorp Genetics (formerly Invitae), Labcorp
Classification: Uncertain significance for Von Hippel-Lindau syndrome; Chuvash polycythemia. Last evaluated: 2024-09-04. Review status: criteria provided, single submitter. Criteria: Invitae Variant Classification Sherloc (09022015). Collection method: clinical testing. Allele origin: germline.
Comment: This sequence change replaces glutamic acid, which is acidic and polar, with lysine, which is basic and polar, at codon 41 of the VHL protein (p.Glu41Lys). This variant is not present in population databases (gnomAD no frequency). This variant has not been reported in the literature in individuals affected with VHL-related conditions. ClinVar contains an entry for this variant (Variation ID: 818632). Invitae Evidence Modeling of protein sequence and biophysical properties (such as structural, functional, and spatial information, amino acid conservation, physicochemical variation, residue mobility, and thermodynamic stability) indicates that this missense variant is not expected to disrupt VHL protein function with a negative predictive value of 95%. In summary, the available evidence is currently insufficient to determine the role of this variant in disease. Therefore, it has been classified as a Variant of Uncertain Significance.